The following is an entry in ClinVar:

ClinVar aggregate classification (germline): Conflicting classifications of pathogenicity. Review status: criteria provided, conflicting classifications (1 of 4 stars). 4 submissions from 4 submitters: Uncertain significance (1); Likely benign (3). Last evaluated 2025-09-13.

Conditions:
Cardiovascular phenotype. Identifiers: MedGen CN230736.
Dilated cardiomyopathy 1DD (CMD1DD). Identifiers: Orphanet 154, MedGen C2750995, MONDO:0013168, OMIM 613172.

Allele frequency attached by ClinVar (database versions not stated): gnomAD 0.00005; TOPMed 0.00005; gnomAD exomes 0.00016; ExAC 0.00044.
gnomAD v4.1: 169 of 1,551,704 alleles (0.011%); highest among the groups gnomAD compares: South Asian, 0.065%; no homozygotes.

Submissions (4):

Labcorp Genetics (formerly Invitae), Labcorp
Classification: Likely benign for Dilated cardiomyopathy 1DD. Last evaluated: 2025-09-13. Review status: criteria provided, single submitter. Criteria: Invitae Variant Classification Sherloc (09022015). Collection method: clinical testing. Allele origin: germline.

ARUP Laboratories, Molecular Genetics and Genomics, ARUP Laboratories
Classification: Uncertain significance for Dilated cardiomyopathy 1DD. Last evaluated: 2024-11-06. Review status: criteria provided, single submitter. Criteria: ARUP Molecular Germline Variant Investigation Process 2024. Collection method: clinical testing. Allele origin: germline.
Comment: The RBM20 c.1996C>T; p.Arg666Trp variant (rs570820786), to our knowledge, is not reported in the medical literature but is reported in ClinVar (Variation ID: 699156). This variant is found in the South Asian population with an allele frequency of 0.08% (18/22,764 alleles) in the Genome Aggregation Database (v2.1.1). Computational analyses are uncertain whether this variant is neutral or deleterious (REVEL: 0.49). While the high population frequency suggests that this is likely a benign variant, given the lack of clinical and functional data, the significance of this variant is uncertain at this time.

Blueprint Genetics
Classification: Likely benign. Last evaluated: 2024-01-26. Review status: criteria provided, single submitter. Criteria: ACMG Guidelines, 2015. Collection method: clinical testing. Allele origin: germline.

Ambry Genetics
Classification: Likely benign for Cardiovascular phenotype. Last evaluated: 2024-01-02. Review status: criteria provided, single submitter. Criteria: Ambry Variant Classification Scheme 2023. Collection method: clinical testing. Allele origin: germline.

NM_001134363.3(RBM20):c.1996C>T (p.Arg666Trp)

Gene: RBM20 (RNA binding motif protein 20; plus strand). Cytogenetic location: 10q25.2.
Variant type: single nucleotide variant.
Coding change: c.1996C>T on transcript NM_001134363.3 (MANE Select); coding-DNA position 1996, C replaced by T.
Protein change: p.Arg666Trp; replaces arginine 666 with tryptophan.
Molecular consequence: missense variant.
Genome position (GRCh38, 1-based): chr10:110,812,393, C>T. VCF-style: chr10-110812393-C-T. GRCh37 (hg19) VCF-style: chr10-112572151-C-T.
Other names: c.1996C>T (NM_001134363.1); short protein forms R666W.
Identifiers: ClinVar variation 699156 (VCV000699156.13), dbSNP rs570820786, ClinGen allele CA5688659.